The following is an entry in ClinVar:

NM_000179.3(MSH6):c.1743A>C (p.Arg581Ser)

Gene: MSH6 (mutS homolog 6; plus strand). Cytogenetic location: 2p16.3.
Variant type: single nucleotide variant.
Coding change: c.1743A>C on transcript NM_000179.3 (MANE Select); coding-DNA position 1743, A replaced by C.
Protein change: p.Arg581Ser; replaces arginine 581 with serine.
Molecular consequence: missense variant.
Genome position (GRCh38, 1-based): chr2:47,799,726, A>C. VCF-style: chr2-47799726-A-C. GRCh37 (hg19) VCF-style: chr2-48026865-A-C.
Other names: c.1446A>C, p.Arg482Ser (NM_001406801.1, NM_001406805.1, NM_001406818.1 and 10 more transcripts); c.1839A>C, p.Arg613Ser (NM_001406802.1, NM_001406795.1); c.1743A>C, p.Arg581Ser (NM_001406803.1, NM_001406808.1, NM_001406809.1 and 3 more transcripts); c.1665A>C, p.Arg555Ser (NM_001406804.1); c.1218A>C, p.Arg406Ser (NM_001406806.1, NM_001406807.1, NM_001406799.1); c.837A>C, p.Arg279Ser (NM_001406811.1, NM_001406812.1, NM_001406814.1 and 6 more transcripts); c.1749A>C, p.Arg583Ser (NM_001406813.1); c.1575A>C, p.Arg525Ser (NM_001406826.1); and 1 more; short protein forms R406S, R451S, R525S, R581S, R482S, R583S, R613S, R555S.
Identifiers: ClinVar variation 1779231 (VCV001779231.2), dbSNP rs1669368141, ClinGen allele CA346748880.

ClinVar aggregate classification (germline): Uncertain significance (1 of 4 stars; one submission).

Conditions:
Hereditary cancer-predisposing syndrome. Also called: Neoplastic Syndromes, Hereditary; Tumor predisposition; Hereditary Cancer Syndrome; Hereditary neoplastic syndrome. Identifiers: Orphanet 140162, MedGen C0027672, MeSH D009386, MONDO:0015356.

Allele frequency attached by ClinVar (database versions not stated): gnomAD exomes below 0.00001.
gnomAD v4.1: 2 of 1,614,172 alleles (0.00012%); highest among the groups gnomAD compares: Non-Finnish European, 0.00017%; no homozygotes.

Submission:

Ambry Genetics
Classification: Uncertain significance for Hereditary cancer-predisposing syndrome. Last evaluated: 2019-03-27. Review status: criteria provided, single submitter. Criteria: Ambry Variant Classification Scheme 2023. Collection method: clinical testing. Allele origin: germline.
Comment: The p.R581S variant (also known as c.1743A>C), located in coding exon 4 of the MSH6 gene, results from an A to C substitution at nucleotide position 1743. The arginine at codon 581 is replaced by serine, an amino acid with dissimilar properties. This amino acid position is highly conserved in available vertebrate species. In addition, this alteration is predicted to be deleterious by in silico analysis. In addition, the CoDP in silico tool predicts this alteration is likely to impair molecular function, with a score of 0.997 (Terui H et al. J. Biomed. Sci. 2013 Apr;20:25). Since supporting evidence is limited at this time, the clinical significance of this alteration remains unclear.